The following is an entry in ClinVar:

ClinVar aggregate classification (germline): Uncertain significance. Review status: criteria provided, multiple submitters, no conflicts (2 of 4 stars). 2 submissions from 2 submitters: Uncertain significance (2). Last evaluated 2024-06-08.

Conditions:
Primary ciliary dyskinesia. Also called: Ciliary dyskinesia. Identifiers: Orphanet 244, MedGen C0008780, MONDO:0016575, HP:0012265.

Allele frequency attached by ClinVar (database versions not stated): gnomAD exomes below 0.00001 and 0.00001; ExAC 0.00002; gnomAD 0.00003 and 0.00004; TOPMed 0.00007; ESP Exome Variant Server 0.00008; 1000 Genomes Project 0.00020; 1000 Genomes Project 30x 0.00031.
gnomAD v4.1: 15 of 1,614,184 alleles (0.00093%); highest among the groups gnomAD compares: African/African-American, 0.0053%; no homozygotes.

Submissions (2):

GeneDx
Classification: Uncertain significance. Last evaluated: 2024-06-08. Review status: criteria provided, single submitter. Criteria: GeneDx Variant Classification Process June 2021. Collection method: clinical testing. Allele origin: germline. Affected: yes.
Comment: In silico analysis indicates that this missense variant does not alter protein structure/function; Has not been previously published as pathogenic or benign to our knowledge

Labcorp Genetics (formerly Invitae), Labcorp
Classification: Uncertain significance for Primary ciliary dyskinesia. Last evaluated: 2024-03-21. Review status: criteria provided, single submitter. Criteria: Invitae Variant Classification Sherloc (09022015). Collection method: clinical testing. Allele origin: germline.
Comment: This sequence change replaces alanine, which is neutral and non-polar, with valine, which is neutral and non-polar, at codon 162 of the CCDC103 protein (p.Ala162Val). This variant is present in population databases (rs146454626, gnomAD 0.008%). This variant has not been reported in the literature in individuals affected with CCDC103-related conditions. ClinVar contains an entry for this variant (Variation ID: 648685). Algorithms developed to predict the effect of missense changes on protein structure and function output the following: SIFT: "Not Available"; PolyPhen-2: "Benign"; Align-GVGD: "Not Available". The valine amino acid residue is found in multiple mammalian species, which suggests that this missense change does not adversely affect protein function. In summary, the available evidence is currently insufficient to determine the role of this variant in disease. Therefore, it has been classified as a Variant of Uncertain Significance.

NM_213607.3(DNAAF19):c.485C>T (p.Ala162Val)

Gene: DNAAF19 (dynein axonemal assembly factor 19; plus strand). Cytogenetic location: 17q21.31.
Variant type: single nucleotide variant.
Coding change: c.485C>T on transcript NM_213607.3 (MANE Select); coding-DNA position 485, C replaced by T.
Protein change: p.Ala162Val; replaces alanine 162 with valine.
Molecular consequence: missense variant. On other transcripts: 3 prime UTR variant (3).
Genome position (GRCh38, 1-based): chr17:44,902,573, C>T. VCF-style: chr17-44902573-C-T. GRCh37 (hg19) VCF-style: chr17-42979941-C-T.
Other names: c.485C>T, p.Ala162Val (NM_001258395.2, NM_001258396.2); c.*235C>T (NM_001258397.3); c.*174C>T (NM_001258398.3, NM_001258399.2); short protein forms A162V.
Identifiers: ClinVar variation 648685 (VCV000648685.9), dbSNP rs146454626, ClinGen allele CA8608385.